The following is an entry in ClinVar:

NM_138927.4(SON):c.1259_1291del (p.Leu420_Pro430del)

Gene: SON (SON DNA and RNA binding protein; plus strand). Cytogenetic location: 21q22.11.
Variant type: Deletion.
Coding change: c.1259_1291del on transcript NM_138927.4 (MANE Select); coding-DNA positions 1259 to 1291, 33 bases deleted.
Protein change: p.Leu420_Pro430del.
Molecular consequence: inframe deletion. On other transcripts: inframe indel (3), non-coding transcript variant (1), intron variant (1).
Genome position (GRCh38, 1-based): chr21:33,550,490-33,550,522, 33 bases deleted; deleting any 33 consecutive bases within chr21:33,550,474-33,550,522 gives the same sequence; the c. name uses the placement nearest the transcript's 3' end. GRCh37 (hg19): chr21:34,922,796-34,922,828.
Other names: c.1259_1291del, p.Leu420_Pro430del (NM_001291411.2, NM_032195.3); c.1259_1291del33, p.Leu420_Pro430del (NM_001412133.1, NM_058183.2, NM_138926.1); c.244+4111_244+4143del (NM_001291412.3); c.1259_1291del33 (NM_138927.2).
Identifiers: ClinVar variation 2180528 (VCV002180528.4), dbSNP rs770117664, ClinGen allele CA10008854.

ClinVar aggregate classification (germline): Uncertain significance. Review status: criteria provided, multiple submitters, no conflicts (2 of 4 stars). 2 submissions from 2 submitters: Uncertain significance (2). Last evaluated 2026-07-30.

Conditions:
SON-related disorder. Also called: SON-related condition.

Submissions (2):

PreventionGenetics, part of Exact Sciences
Classification: Uncertain significance for SON-related condition. Last evaluated: 2026-07-30. Review status: criteria provided, single submitter. Criteria: ACMG Guidelines, 2015. Collection method: clinical testing. Allele origin: germline.
Comment: The SON c.1259_1291del33 variant is predicted to result in an in-frame deletion (p.Leu420_Pro430del). To our knowledge, this variant has not been reported in the literature. This variant is reported in 0.0040% of alleles in individuals of African descent in gnomAD. At this time, the clinical significance of this variant is uncertain due to the absence of conclusive functional and genetic evidence.

Labcorp Genetics (formerly Invitae), Labcorp
Classification: Uncertain significance. Last evaluated: 2022-07-06. Review status: criteria provided, single submitter. Criteria: Invitae Variant Classification Sherloc (09022015). Collection method: clinical testing. Allele origin: germline.
Comment: This variant, c.1259_1291del, results in the deletion of 11 amino acid(s) of the SON protein (p.Leu420_Pro430del), but otherwise preserves the integrity of the reading frame. This variant is present in population databases (rs770117664, gnomAD 0.0009%). This variant has not been reported in the literature in individuals affected with SON-related conditions. Experimental studies and prediction algorithms are not available or were not evaluated, and the functional significance of this variant is currently unknown. In summary, the available evidence is currently insufficient to determine the role of this variant in disease. Therefore, it has been classified as a Variant of Uncertain Significance.